The following is an entry in ClinVar:

NM_004268.5(MED17):c.1777A>T (p.Met593Leu)

Gene: MED17 (mediator complex subunit 17; plus strand). Cytogenetic location: 11q21.
Variant type: single nucleotide variant.
Coding change: c.1777A>T on transcript NM_004268.5 (MANE Select); coding-DNA position 1777, A replaced by T.
Protein change: p.Met593Leu; replaces methionine 593 with leucine.
Molecular consequence: missense variant.
Genome position (GRCh38, 1-based): chr11:93,811,885, A>T. VCF-style: chr11-93811885-A-T. GRCh37 (hg19) VCF-style: chr11-93545051-A-T.
Other names: short protein forms M593L.
Identifiers: ClinVar variation 1994980 (VCV001994980.4), dbSNP rs1402987430, ClinGen allele CA382362555.

ClinVar aggregate classification (germline): Uncertain significance (1 of 4 stars; one submission).

Submission:

Labcorp Genetics (formerly Invitae), Labcorp
Classification: Uncertain significance. Last evaluated: 2024-01-22. Review status: criteria provided, single submitter. Criteria: Invitae Variant Classification Sherloc (09022015). Collection method: clinical testing. Allele origin: germline.
Comment: This sequence change replaces methionine, which is neutral and non-polar, with leucine, which is neutral and non-polar, at codon 593 of the MED17 protein (p.Met593Leu). This variant is not present in population databases (gnomAD no frequency). This variant has not been reported in the literature in individuals affected with MED17-related conditions. ClinVar contains an entry for this variant (Variation ID: 1994980). Advanced modeling of protein sequence and biophysical properties (such as structural, functional, and spatial information, amino acid conservation, physicochemical variation, residue mobility, and thermodynamic stability) performed at Invitae indicates that this missense variant is not expected to disrupt MED17 protein function with a negative predictive value of 80%. In summary, the available evidence is currently insufficient to determine the role of this variant in disease. Therefore, it has been classified as a Variant of Uncertain Significance.